The following is an entry in ClinVar:

NM_015102.5(NPHP4):c.3398T>C (p.Val1133Ala)

Gene: NPHP4 (nephrocystin 4; minus strand). Cytogenetic location: 1p36.31.
Variant type: single nucleotide variant.
Coding change: c.3398T>C on transcript NM_015102.5 (MANE Select); coding-DNA position 3398, T replaced by C.
Protein change: p.Val1133Ala; replaces valine 1133 with alanine.
Molecular consequence: missense variant. On other transcripts: non-coding transcript variant (1).
Genome position (GRCh38, 1-based): chr1:5,867,814, A>G on the plus strand (T>C on the coding strand, the complement: NPHP4 is on the minus strand). VCF-style: chr1-5867814-A-G. GRCh37 (hg19) VCF-style: chr1-5927874-A-G.
Other names: c.1859T>C, p.Val620Ala (NM_001291593.2); c.1862T>C, p.Val621Ala (NM_001291594.2); short protein forms V1133A, V621A, V620A.
Identifiers: ClinVar variation 1511995 (VCV001511995.6), dbSNP rs2100468384, ClinGen allele CA338052316.

ClinVar aggregate classification (germline): Uncertain significance (1 of 4 stars; one submission).

Conditions:
Nephronophthisis. Also called: Juvenile Nephronophthisis. Identifiers: Orphanet 655, MedGen C0687120, MONDO:0019005, HP:0000090.

Allele frequency attached by ClinVar (database versions not stated): gnomAD exomes below 0.00001.
gnomAD v4.1: 1 of 1,613,502 alleles (0.000062%); highest among the groups gnomAD compares: Non-Finnish European, 0.000085%; no homozygotes.

Submission:

Labcorp Genetics (formerly Invitae), Labcorp
Classification: Uncertain significance for Nephronophthisis. Last evaluated: 2021-09-05. Review status: criteria provided, single submitter. Criteria: Invitae Variant Classification Sherloc (09022015). Collection method: clinical testing. Allele origin: germline.
Comment: In summary, the available evidence is currently insufficient to determine the role of this variant in disease. Therefore, it has been classified as a Variant of Uncertain Significance. Algorithms developed to predict the effect of missense changes on protein structure and function output the following: SIFT: "Tolerated"; PolyPhen-2: "Benign"; Align-GVGD: "Class C0". The alanine amino acid residue is found in multiple mammalian species, which suggests that this missense change does not adversely affect protein function. This variant has not been reported in the literature in individuals affected with NPHP4-related conditions. This variant is not present in population databases (ExAC no frequency). This sequence change replaces valine with alanine at codon 1133 of the NPHP4 protein (p.Val1133Ala). The valine residue is moderately conserved and there is a small physicochemical difference between valine and alanine.